The following is an entry in ClinVar:

NM_022042.4(SLC26A1):c.1383G>A (p.Pro461=)

Genes: IDUA (alpha-L-iduronidase; plus strand), SLC26A1 (solute carrier family 26 member 1; minus strand). Cytogenetic location: 4p16.3.
Variant type: single nucleotide variant.
Coding change: c.1383G>A on transcript NM_022042.4 (MANE Select); coding-DNA position 1383, G replaced by A.
Protein change: p.Pro461=; no amino-acid change (proline 461 retained).
Molecular consequence: synonymous variant. On other transcripts: intron variant (2).
Genome position (GRCh38, 1-based): chr4:989,556, C>T on the plus strand (G>A on the coding strand, the complement: SLC26A1 is on the minus strand). VCF-style: chr4-989556-C-T. GRCh37 (hg19) VCF-style: chr4-983344-C-T.
Other names: c.1383G>A, p.Pro461= (NM_213613.4); c.576+1572G>A (NM_134425.4); c.299+1607C>T (NM_000203.5).
Identifiers: ClinVar variation 3646405 (VCV003646405.7).
Genomic context (GRCh38, chr4:989,556, plus strand): 5'-ACAGGTGGCCGCGGTGCCTGCCCAGACCAGCGCGTCAGCCGGGCTCATCCGCCACAGCCG[C>T]GGGAGGTCCCACACCTTGCGCAGGGCCCCCCGCAGGCTGACCACGATGACGCAGGCCAGC-3'
Protein context (NP_071325.2, residues 451-471): RGALRKVWDL[Pro461=]RLWRMSPADA

ClinVar aggregate classification (germline): Likely benign. Review status: criteria provided, multiple submitters, no conflicts (2 of 4 stars). 2 submissions from 2 submitters: Likely benign (2). Last evaluated 2025-12-01.

gnomAD v4.1: 189 of 1,579,480 alleles (0.012%); highest among the groups gnomAD compares: East Asian, 0.051%; no homozygotes.

Submissions (2):

CeGaT Center for Human Genetics Tuebingen
Classification: Likely benign. Last evaluated: 2025-12-01. Review status: criteria provided, single submitter. Criteria: CeGaT Center For Human Genetics Tuebingen Variant Classification Criteria Version 2. Collection method: clinical testing. Allele origin: germline. Affected: yes. Observed: 1 variant allele.
Comment: SLC26A1: BP4, BP7

Labcorp Genetics (formerly Invitae), Labcorp
Classification: Likely benign. Last evaluated: 2024-10-23. Review status: criteria provided, single submitter. Criteria: Invitae Variant Classification Sherloc (09022015). Collection method: clinical testing. Allele origin: germline.